The following is an entry in ClinVar:

ClinVar aggregate classification (germline): Uncertain significance (1 of 4 stars; one submission).

Conditions:
Wilms tumor 1 (WT1). Also called: Wilms tumor, somatic. Identifiers: Orphanet 654, MedGen CN033288, MONDO:0008679, OMIM 194070.

Submission:

Labcorp Genetics (formerly Invitae), Labcorp
Classification: Uncertain significance for Wilms tumor 1. Last evaluated: 2021-07-30. Review status: criteria provided, single submitter. Criteria: Invitae Variant Classification Sherloc (09022015). Collection method: clinical testing. Allele origin: germline.
Comment: This sequence change replaces valine with glycine at codon 57 of the GPC3 protein (p.Val57Gly). The valine residue is weakly conserved and there is a moderate physicochemical difference between valine and glycine. This variant is not present in population databases (ExAC no frequency). This variant has not been reported in the literature in individuals affected with GPC3-related conditions. Algorithms developed to predict the effect of missense changes on protein structure and function (SIFT, PolyPhen-2, Align-GVGD) all suggest that this variant is likely to be tolerated. In summary, the available evidence is currently insufficient to determine the role of this variant in disease. Therefore, it has been classified as a Variant of Uncertain Significance.

NM_004484.4(GPC3):c.170T>G (p.Val57Gly)

Gene: GPC3 (glypican 3; minus strand). Cytogenetic location: Xq26.2.
Variant type: single nucleotide variant.
Coding change: c.170T>G on transcript NM_004484.4 (MANE Select); coding-DNA position 170, T replaced by G.
Protein change: p.Val57Gly; replaces valine 57 with glycine.
Molecular consequence: missense variant.
Genome position (GRCh38, 1-based): chrX:133,985,280, A>C on the plus strand (T>G on the coding strand, the complement: GPC3 is on the minus strand). VCF-style: chrX-133985280-A-C. GRCh37 (hg19) VCF-style: chrX-133119307-A-C.
Other names: c.170T>G, p.Val57Gly (NM_001164617.2, NM_001164618.2, NM_001164619.2); short protein forms V57G.
Identifiers: ClinVar variation 1468676 (VCV001468676.6), dbSNP rs2124655641, ClinGen allele CA414706879.
Genomic context (GRCh38, chrX:133,985,280, plus strand): 5'-ACGCGCGCCTTGCTCCCCGCTGGGCGCTAGGCACGCTCAAGGGACCCCTCCTCACCTGGC[A>C]CGGGAGTTTCTGGCACCCACTTGAGTCCGGGCTGCAGTCTCTGGAAGAAGGAGCGGACTT-3'
Protein context (NP_004475.1, residues 47-67): PGLKWVPETP[Val57Gly]PGSDLQVCLP